The following is an entry in ClinVar:

NM_024675.4(PALB2):c.1478C>T (p.Pro493Leu)

Gene: PALB2 (partner and localizer of BRCA2; minus strand). Cytogenetic location: 16p12.2.
Variant type: single nucleotide variant.
Coding change: c.1478C>T on transcript NM_024675.4 (MANE Select); coding-DNA position 1478, C replaced by T.
Protein change: p.Pro493Leu; replaces proline 493 with leucine.
Molecular consequence: missense variant.
Genome position (GRCh38, 1-based): chr16:23,635,068, G>A on the plus strand (C>T on the coding strand, the complement: PALB2 is on the minus strand). VCF-style: chr16-23635068-G-A. GRCh37 (hg19) VCF-style: chr16-23646389-G-A.
Other names: short protein forms P493L.
Identifiers: ClinVar variation 225853 (VCV000225853.24), dbSNP rs770965402, ClinGen allele CA7963704.
Genomic context (GRCh38, chr16:23,635,068, plus strand): 5'-GTGTATCTTCTACCAGGTGCTTGGGCAACTGCCTTCCTAGACAAGTCATTATCTTCAGTG[G>A]GCCCAGCGGGAGAGCTGACTTTAGTTAATGAGAGAAGTTTCTGAGAGGTTCTTGAACTTG-3'
Protein context (NP_078951.2, residues 483-503): SLTKVSSPAG[Pro493Leu]TEDNDLSRKA

ClinVar aggregate classification (germline): Conflicting classifications of pathogenicity. Review status: criteria provided, conflicting classifications (1 of 4 stars). 7 submissions from 7 submitters: Uncertain significance (5); Likely benign (2). Last evaluated 2025-08-04.

Conditions:
Hereditary cancer-predisposing syndrome. Also called: Tumor predisposition; Hereditary neoplastic syndrome; Neoplastic Syndromes, Hereditary; Hereditary Cancer Syndrome. Identifiers: Orphanet 140162, MedGen C0027672, MeSH D009386, MONDO:0015356.
Familial cancer of breast. Also called: hereditary breast carcinoma; BREAST CANCER, FAMILIAL; Hereditary breast cancer. Identifiers: Orphanet 227535, MedGen C0346153, MONDO:0016419, OMIM 114480. Disease mechanism: loss of function.
Pilocytic astrocytoma. Also called: Pilocytic astrocytoma, somatic. Identifiers: Orphanet 251612, MedGen C0334583, MONDO:0016691, HP:0033680.

Allele frequency attached by ClinVar (database versions not stated): gnomAD exomes below 0.00001 and 0.00002; ExAC 0.00001.
gnomAD v4.1: 23 of 1,614,100 alleles (0.0014%); highest among the groups gnomAD compares: Non-Finnish European, 0.0019%; no homozygotes.

Submissions (7):

Labcorp Genetics (formerly Invitae), Labcorp
Classification: Uncertain significance for Familial cancer of breast. Last evaluated: 2025-08-04. Review status: criteria provided, single submitter. Criteria: Invitae Variant Classification Sherloc (09022015). Collection method: clinical testing. Allele origin: germline.
Comment: This sequence change replaces proline, which is neutral and non-polar, with leucine, which is neutral and non-polar, at codon 493 of the PALB2 protein (p.Pro493Leu). This variant is present in population databases (rs770965402, gnomAD 0.002%). This missense change has been observed in individual(s) with breast cancer (PMID: 28664506). ClinVar contains an entry for this variant (Variation ID: 225853). Invitae Evidence Modeling of protein sequence and biophysical properties (such as structural, functional, and spatial information, amino acid conservation, physicochemical variation, residue mobility, and thermodynamic stability) indicates that this missense variant is not expected to disrupt PALB2 protein function with a negative predictive value of 80%. In summary, the available evidence is currently insufficient to determine the role of this variant in disease. Therefore, it has been classified as a Variant of Uncertain Significance.

Ambry Genetics
Classification: Likely benign for Hereditary cancer-predisposing syndrome. Last evaluated: 2024-03-27. Review status: criteria provided, single submitter. Criteria: Ambry Variant Classification Scheme 2023. Collection method: clinical testing. Allele origin: germline.

Color Diagnostics, LLC DBA Color Health
Classification: Uncertain significance for Hereditary cancer-predisposing syndrome. Last evaluated: 2024-02-28. Review status: criteria provided, single submitter. Criteria: ACMG Guidelines, 2015. Collection method: clinical testing. Allele origin: germline.
Comment: This missense variant replaces proline with leucine at codon 493 of the PALB2 protein. Computational prediction suggests that this variant may not impact protein structure and function. To our knowledge, functional studies have not been reported for this variant. This variant has been reported in an individual affected with ovarian cancer (PMID: 32546565) and in a breast cancer case-control study in one unaffected individual and absent in breast cancer cases (PMID: 26283626). This variant has been identified in 1/251434 chromosomes in the general population by the Genome Aggregation Database (gnomAD). The available evidence is insufficient to determine the role of this variant in disease conclusively. Therefore, this variant is classified as a Variant of Uncertain Significance.

Baylor Genetics
Classification: Uncertain significance for Familial cancer of breast. Last evaluated: 2023-11-08. Review status: criteria provided, single submitter. Criteria: ACMG Guidelines, 2015. Collection method: clinical testing. Allele origin: unknown.

GeneDx
Classification: Uncertain significance. Last evaluated: 2021-01-14. Review status: criteria provided, single submitter. Criteria: GeneDx Variant Classification Process June 2021. Collection method: clinical testing. Allele origin: germline. Affected: yes.
Comment: Not observed at a significant frequency in large population cohorts (Lek 2016); In silico analysis supports that this missense variant has a deleterious effect on protein structure/function; Observed in individuals with ovarian cancer, but also in unaffected controls (Thompson 2015, Song 2020); This variant is associated with the following publications: (PMID: 28664506, 32546565, 26283626)

St. Jude Molecular Pathology, St. Jude Children's Research Hospital
Classification: Uncertain significance for Pilocytic astrocytoma. Last evaluated: 2017-05-23. Review status: criteria provided, single submitter. Criteria: ACMG Guidelines, 2015. Collection method: clinical testing. Allele origin: germline. Affected: yes.

Cancer Genetics Laboratory, Peter MacCallum Cancer Centre
Classification: Likely benign for Familial cancer of breast. Last evaluated: 2015-06-01. Review status: criteria provided, single submitter. Criteria: Thompson et al. (Breast Cancer Res. 2015). Collection method: case-control. Allele origin: germline. Affected: no. Observed: 1 variant allele, 1 heterozygote.

Literature cited by the submitters: PubMed 28664506 (cited by Labcorp Genetics (formerly Invitae), Labcorp); PubMed 26283626 (cited by Ambry Genetics and Color Diagnostics, LLC DBA Color Health); PubMed 32546565 (cited by Ambry Genetics and Color Diagnostics, LLC DBA Color Health).